The following is an entry in ClinVar:

ClinVar aggregate classification (germline): Benign. Review status: criteria provided, multiple submitters, no conflicts (2 of 4 stars). 2 submissions from 2 submitters: Benign (2). Last evaluated 2018-01-13.

Conditions:
Autosomal dominant striatal neurodegeneration type 1. Identifiers: Orphanet 228169, MedGen C4310808, MONDO:0012205, OMIM 609161.

Allele frequency attached by ClinVar (database versions not stated): 1000 Genomes Project 30x 0.01577; 1000 Genomes Project 0.01677; TOPMed 0.02965; gnomAD 0.03194 and 0.03231.
gnomAD v4.1: 30,950 of 791,858 alleles (3.9%); highest among the groups gnomAD compares: Middle Eastern, 9.1%; 819 homozygotes.

Submissions (2):

Illumina Laboratory Services, Illumina
Classification: Benign for Autosomal dominant striatal neurodegeneration type 1. Last evaluated: 2018-01-13. Review status: criteria provided, single submitter. Criteria: ICSL Variant Classification Criteria 13 December 2019. Collection method: clinical testing. Allele origin: germline.
Comment: This variant was observed in the ICSL laboratory as part of a predisposition screen in an ostensibly healthy population. It had not been previously curated by ICSL or reported in the Human Gene Mutation Database (HGMD: prior to June 1st, 2018), and was therefore a candidate for classification through an automated scoring system. Utilizing variant allele frequency, disease prevalence and penetrance estimates, and inheritance mode, an automated score was calculated to assess if this variant is too frequent to cause the disease. Based on the score and internal cut-off values, a variant classified as benign is not then subjected to further curation. The score for this variant resulted in a classification of benign for this disease.

Breakthrough Genomics
Classification: Benign. Review status: criteria provided, single submitter. Criteria: ACMG Guidelines, 2015. Collection method: not provided. Allele origin: germline. Inheritance: Autosomal dominant inheritance. Affected: yes.

NM_003719.5(PDE8B):c.*70C>T

Gene: PDE8B (phosphodiesterase 8B; plus strand). Cytogenetic location: 5q13.3.
Variant type: single nucleotide variant.
Coding change: c.*70C>T on transcript NM_003719.5 (MANE Select); 70 bases downstream of the stop codon, C replaced by T.
Molecular consequence: 3 prime UTR variant.
Genome position (GRCh38, 1-based): chr5:77,426,624, C>T. VCF-style: chr5-77426624-C-T. GRCh37 (hg19) VCF-style: chr5-76722449-C-T.
Other names: c.*70C>T (NM_001029851.4, NM_001029852.4, NM_001029853.4 and 19 more transcripts); c.*156C>T (NM_001349751.3, NM_001376072.1).
Identifiers: ClinVar variation 354180 (VCV000354180.6), dbSNP rs78676901, ClinGen allele CA10622174.
Genomic context (GRCh38, chr5:77,426,624, plus strand): 5'-ACAGAGGGGGCCTCTTGACCGACAAAGGACACTGTGAATCACAGTAGCGTAAACGAGAGG[C>T]CTTCCTTTCTAATGACAATGACAGGTATTGGTGAAGGAGCTAATGTTTAATATTTGACCT-3'